The following is an entry in ClinVar:

NM_001042492.3(NF1):c.4897C>A (p.Pro1633Thr)

Gene: NF1 (neurofibromin 1; plus strand). Cytogenetic location: 17q11.2.
Variant type: single nucleotide variant.
Coding change: c.4897C>A on transcript NM_001042492.3 (MANE Select); coding-DNA position 4897, C replaced by A.
Protein change: p.Pro1633Thr; replaces proline 1633 with threonine.
Molecular consequence: missense variant.
Genome position (GRCh38, 1-based): chr17:31,325,881, C>A. VCF-style: chr17-31325881-C-A. GRCh37 (hg19) VCF-style: chr17-29652899-C-A.
Other names: c.4834C>A, p.Pro1612Thr (NM_000267.4); short protein forms P1612T, P1633T.
Identifiers: ClinVar variation 567918 (VCV000567918.6), dbSNP rs1567611255, ClinGen allele CA399007056.

ClinVar aggregate classification (germline): Uncertain significance. Review status: criteria provided, multiple submitters, no conflicts (2 of 4 stars). 2 submissions from 2 submitters: Uncertain significance (2). Last evaluated 2024-09-09.

Conditions:
Neurofibromatosis, type 1 (NF1). Also called: VON RECKLINGHAUSEN DISEASE; NEUROFIBROMATOSIS, TYPE I, SOMATIC; Peripheral type neurofibromatosis; Neurofibromatosis, type I. Identifiers: Orphanet 636, MedGen C0027831, MONDO:0018975, OMIM 162200. Disease mechanism: loss of function.
Hereditary cancer-predisposing syndrome. Also called: Neoplastic Syndromes, Hereditary; Tumor predisposition; Hereditary Cancer Syndrome; Hereditary neoplastic syndrome. Identifiers: Orphanet 140162, MedGen C0027672, MeSH D009386, MONDO:0015356.
Cardiovascular phenotype. Identifiers: MedGen CN230736.

Submissions (2):

Ambry Genetics
Classification: Uncertain significance for Cardiovascular phenotype; Hereditary cancer-predisposing syndrome. Last evaluated: 2024-09-09. Review status: criteria provided, single submitter. Criteria: Ambry Variant Classification Scheme 2023. Collection method: clinical testing. Allele origin: germline.
Comment: The p.P1612T variant (also known as c.4834C>A), located in coding exon 36 of the NF1 gene, results from a C to A substitution at nucleotide position 4834. The proline at codon 1612 is replaced by threonine, an amino acid with highly similar properties. This amino acid position is conserved. In addition, the in silico prediction for this alteration is inconclusive. Based on the available evidence, the clinical significance of this variant remains unclear.

Labcorp Genetics (formerly Invitae), Labcorp
Classification: Uncertain significance for Neurofibromatosis, type 1. Last evaluated: 2022-02-22. Review status: criteria provided, single submitter. Criteria: Invitae Variant Classification Sherloc (09022015). Collection method: clinical testing. Allele origin: germline.
Comment: This sequence change replaces proline, which is neutral and non-polar, with threonine, which is neutral and polar, at codon 1612 of the NF1 protein (p.Pro1612Thr). In summary, the available evidence is currently insufficient to determine the role of this variant in disease. Therefore, it has been classified as a Variant of Uncertain Significance. Algorithms developed to predict the effect of missense changes on protein structure and function are either unavailable or do not agree on the potential impact of this missense change (SIFT: "Tolerated"; PolyPhen-2: "Probably Damaging"; Align-GVGD: "Class C0"). ClinVar contains an entry for this variant (Variation ID: 567918). This variant has not been reported in the literature in individuals affected with NF1-related conditions. This variant is not present in population databases (gnomAD no frequency).